The following is an entry in ClinVar:

NM_000169.3(GLA):c.-2C>T

Genes: GLA (galactosidase alpha; minus strand), RPL36A-HNRNPH2 (RPL36A-HNRNPH2 readthrough; plus strand). Cytogenetic location: Xq22.1.
Variant type: single nucleotide variant.
Coding change: c.-2C>T on transcript NM_000169.3 (MANE Select); 2 bases upstream of the start codon, C replaced by T.
Molecular consequence: 5 prime UTR variant. On other transcripts: non-coding transcript variant (3), intron variant (2).
Genome position (GRCh38, 1-based): chrX:101,407,905, G>A on the plus strand (C>T on the coding strand, the complement: GLA is on the minus strand). VCF-style: chrX-101407905-G-A. GRCh37 (hg19) VCF-style: chrX-100662893-G-A.
Other names: c.-2C>T (NM_001406747.1, NM_001406748.1, NM_001406749.1); c.301-4031G>A (NM_001199973.2); c.178-4031G>A (NM_001199974.2).
Identifiers: ClinVar variation 926162 (VCV000926162.5), dbSNP rs1928603344, ClinGen allele CA1139667729.

ClinVar aggregate classification (germline): Uncertain significance. Review status: criteria provided, multiple submitters, no conflicts (2 of 4 stars). 2 submissions from 2 submitters: Uncertain significance (2). Last evaluated 2026-09-08.

Conditions:
Fabry disease. Also called: Fabry's disease; Angiokeratoma corporis diffusum; CERAMIDE TRIHEXOSIDASE DEFICIENCY; GLA DEFICIENCY; HEREDITARY DYSTOPIC LIPIDOSIS; ALPHA-GALACTOSIDASE A DEFICIENCY. Identifiers: Orphanet 324, MedGen C0002986, MONDO:0010526, OMIM 301500, HP:0001071. Disease mechanism: loss of function, Fabry disease is due to inactivating mutations in the X-linked GLA gene resulting in deficiency of the enzyme Alpha Galactosidase-A..

Submissions (2):

Genomenon, Inc
Classification: Uncertain significance for Fabry disease. Last evaluated: 2026-09-08. Review status: criteria provided, single submitter. Criteria: Genomenon Sequence Variant Interpretation Standards - Updated. Collection method: curation. Allele origin: germline. Affected: no.
Comment: GLA c.-2C>T is a variant located in the 5′ untranslated region (5′ UTR). This variant has been reported in the published literature (PMID:39336803). It is absent or not present at a significant frequency in gnomAD. In conclusion, we classify GLA c.-2C>T as a variant of uncertain significance.

Color Diagnostics, LLC DBA Color Health
Classification: Uncertain significance for Fabry disease. Last evaluated: 2019-10-24. Review status: criteria provided, single submitter. Criteria: ACMG Guidelines, 2015. Collection method: clinical testing. Allele origin: germline.
Comment: This variant changes a single nucleotide in the 5' untranslated region of the GLA gene. To our knowledge, functional studies have not been performed for this variant. This variant has not been reported in individuals affected with cardiovascular disorders in the literature. This variant has not been identified in the general population by the Genome Aggregation Database (gnomAD). The available evidence is insufficient to determine the role of this variant in disease conclusively. Therefore, this variant is classified as a Variant of Uncertain Significance.

Literature cited by the submitters: PubMed 39336803 (cited by Genomenon, Inc).